The following is an entry in ClinVar:

NM_002637.4(PHKA1):c.2006C>A (p.Ala669Glu)

Gene: PHKA1 (phosphorylase kinase regulatory subunit alpha 1; minus strand). Cytogenetic location: Xq13.1.
Variant type: single nucleotide variant.
Coding change: c.2006C>A on transcript NM_002637.4 (MANE Select); coding-DNA position 2006, C replaced by A.
Protein change: p.Ala669Glu; replaces alanine 669 with glutamic acid.
Molecular consequence: missense variant. On other transcripts: intron variant (1).
Genome position (GRCh38, 1-based): chrX:72,620,856, G>T on the plus strand (C>A on the coding strand, the complement: PHKA1 is on the minus strand). VCF-style: chrX-72620856-G-T. GRCh37 (hg19) VCF-style: chrX-71840706-G-T.
Other names: c.2006C>A, p.Ala669Glu (NM_001122670.2); c.1961-1551C>A (NM_001172436.2); c.2006C>A (NM_002637.3); short protein forms A669E.
Identifiers: ClinVar variation 2711776 (VCV002711776.4), dbSNP rs1556276769, ClinGen allele CA413591163.

ClinVar aggregate classification (germline): Uncertain significance. Review status: criteria provided, multiple submitters, no conflicts (2 of 4 stars). 2 submissions from 2 submitters: Uncertain significance (2). Last evaluated 2024-02-12.

Conditions:
Glycogen storage disease IXd (GSD9D). Also called: GSD IXd; Muscle Phosphorylase Kinase Deficiency. Identifiers: Orphanet 715, MedGen C1845151, MONDO:0010362, OMIM 300559.
Inborn genetic diseases. Identifiers: MedGen C0950123, MeSH D030342.

Allele frequency attached by ClinVar (database versions not stated): gnomAD 0.00001; TOPMed 0.00001.
gnomAD v4.1: 1 of 1,208,047 alleles (0.000083%); highest among the groups gnomAD compares: Admixed American, 0.0022%; no homozygotes.

Submissions (2):

Ambry Genetics
Classification: Uncertain significance for Inborn genetic diseases. Last evaluated: 2024-02-12. Review status: criteria provided, single submitter. Criteria: Ambry Variant Classification Scheme 2023. Collection method: clinical testing. Allele origin: germline.

Labcorp Genetics (formerly Invitae), Labcorp
Classification: Uncertain significance for Glycogen storage disease IXd. Last evaluated: 2024-01-26. Review status: criteria provided, single submitter. Criteria: Invitae Variant Classification Sherloc (09022015). Collection method: clinical testing. Allele origin: germline.
Comment: This sequence change replaces alanine, which is neutral and non-polar, with glutamic acid, which is acidic and polar, at codon 669 of the PHKA1 protein (p.Ala669Glu). This variant is not present in population databases (gnomAD no frequency). This variant has not been reported in the literature in individuals affected with PHKA1-related conditions. Advanced modeling of protein sequence and biophysical properties (such as structural, functional, and spatial information, amino acid conservation, physicochemical variation, residue mobility, and thermodynamic stability) performed at Invitae indicates that this missense variant is not expected to disrupt PHKA1 protein function with a negative predictive value of 80%. In summary, the available evidence is currently insufficient to determine the role of this variant in disease. Therefore, it has been classified as a Variant of Uncertain Significance.